The following continues an entry in ClinVar:

NM_007194.4(CHEK2):c.1100del (p.Thr367fs)

Gene: CHEK2. ClinVar aggregate classification (germline): Pathogenic. Pathogenic (76).

Submissions 70 to 88 of 99:

Illumina Laboratory Services, Illumina
Classification: Pathogenic for CHEK2-Related Cancer Susceptibility. Last evaluated: 2017-04-27. Review status: criteria provided, single submitter. Criteria: ICSL Variant Classification Criteria 09 May 2019. Collection method: clinical testing. Allele origin: germline.
Comment: The CHEK2 c.1100delC (p.Thr367MetfsTer15) variant is a common variant in individuals of European origin and has been investigated in multiple studies in various cancer types. A meta-analysis of ten case-control studies, including 10,860 breast cancer cases and 9,065 controls by the CHEK2 Breast Cancer Case-Control Consortium (2004) found a statistically significant association between carrying the p.Thr367MetfsTer15 variant and increase in risk of breast cancer (OR=2.34). The association of the p.Thr367MetfsTer15 variant and increased risk of breast cancer was also supported by Bernstein et al. (2006) (OR=6.65) and Weischer et al. (2007) (OR=3.2). Weischer et al. (2007) also found an association between the variant and increased risk of prostate cancer (OR=2.3) and colorectal cancer (OR=1.6). Weischer et al. (2012) found an association of the p.Thr367MetfsTer15 variant and increased risk of malignant melanoma in both a case-control study (OR=1.79) and a meta-analysis (OR=1.81). The p.Thr367MetfsTer15 variant has also been identified in patients with Li-Fraumeni syndrome (Bell et al. 1999), colon, kidney, prostate, and thyroid cancers (Cybulski et al. 2004), ovarian cancer (Walsh et al. 2011), and uterine cancer (Pennington et al. 2013), though the associated risks for these cancers due to this variant are unclear at this time. Studies by Lee et al. (2001) found a lack of kinase activity and evidence of loss of heterozygosity in a tumor sample from a patient carrying the germline p.Thr367MetfsTer15 variant. The highest allele frequency reported in the 1000 Genomes database is 0.0202 in the Finnish population. Although an association with the p.Thr367MetfsTer15 variant and susceptibility to different cancers is widely reported, the increase in risk is low to moderate. This variant was observed by ICSL as part of a predisposition screen in an ostensibly healthy population.

University of Washington Department of Laboratory Medicine, University of Washington
Classification: Pathogenic for Breast and colorectal cancer, susceptibility to. Last evaluated: 2015-11-20. Review status: criteria provided, single submitter. Criteria: Shirts et al. (Genet Med 2016). Collection method: clinical testing. Allele origin: germline. Affected: yes and no. Observed: 7 variant alleles. Clinical features observed: breast cancer, phyllodes breast cancer, colon cancer.

Laboratory for Molecular Medicine, Mass General Brigham Personalized Medicine
Classification: Pathogenic for CHEK2-Related Cancer Susceptibility. Last evaluated: 2015-03-10. Review status: criteria provided, single submitter. Criteria: LMM Criteria. Collection method: clinical testing. Allele origin: germline. Inheritance: Autosomal dominant inheritance. Observed: 4 variant alleles.
Comment: The c.1100delC (p.Thr367fs) variant in CHEK2 has been associated with increased risk for several types of cancer, including breast, colorectal, and prostate. Me ta-analyses have reported an odds ratio of 2-4 for developing breast, colorectal , or prostate cancer, and a possibly smaller increased risk of malignant melanom a (Weischer 2008, Xiang 2011, Weischer 2012, Yang 2012, Wang 2015). In addition, animal models in mice have shown that this variant causes increased tumor forma tion in multiple cancer sites (Bahassi 2009). This variant has also been reporte d by other clinical laboratories in ClinVar (Variation ID 128042). Of note, this variant has been identified in 0.3% (319/125272) of European chromosomes by the genome Aggregation Database (gnomAD; dbSNP rs 35705950). Therefore, this variant is not expected to cause highly penetrant Men delian disease. In summary, the c.1100delC (p.Thr367fs) variant is an establishe d risk factor for breast, colorectal, and prostate cancers.

Clinical and Functional Genomics Group, A.C.Camargo Cancer Center
Classification: Pathogenic for Breast Cancer. Review status: criteria provided, single submitter. Criteria: Silva et al. (BMC Med Genet. 2014). Collection method: research. Allele origin: germline. Affected: yes.

Hauer Lab, Department Of Pediatric Oncology, Technical University Munich
Classification: Pathogenic for Hereditary cancer-predisposing syndrome. Review status: criteria provided, single submitter. Criteria: ACMG Guidelines, 2015. Collection method: research. Allele origin: germline. Inheritance: Autosomal dominant inheritance. Affected: yes. Observed: 1 variant allele.
Comment: ACMG/AMP, PVS1, PM2, PP5

Institute of Human Genetics, University Hospital of Duesseldorf
Classification: Pathogenic for Colorectal cancer. Review status: criteria provided, single submitter. Criteria: ACMG Guidelines, 2015. Collection method: not provided. Allele origin: germline. Inheritance: Autosomal dominant inheritance. Affected: yes.

University Health Network, Familial Cancer Clinic, Princess Margaret Cancer Centre
Classification: Pathogenic for CHEK2-related cancer predisposition. Review status: criteria provided, single submitter. Criteria: ACMG Guidelines, 2015. Collection method: clinical testing. Allele origin: germline. Inheritance: Autosomal dominant inheritance. Affected: no and yes. Observed: 6 variant alleles. Clinical features observed: Clear cell carcinoma of kidney (HP:0006770), Neuroendocrine neoplasm (HP:0100634), Breast carcinoma (HP:0003002).

Zotz-Klimas Genetics Lab, MVZ Zotz Klimas
Classification: Pathogenic for CHEK2-related cancer predisposition. Last evaluated: 2023-11-24. Review status: no assertion criteria provided. Collection method: clinical testing. Allele origin: germline. Affected: yes. Not counted in ClinVar's aggregate classification.

Diagnostics Centre, Carl Von Ossietzky University Oldenburg
Classification: Pathogenic for Ovarian cancer. Last evaluated: 2023-07-28. Review status: no assertion criteria provided. Collection method: clinical testing. Allele origin: germline. Affected: yes. Observed: 1 variant allele. Not counted in ClinVar's aggregate classification.
Comment: The variant CHEK2:c.1100delC, p.(Thr367fs), which is located in the coding exon 11 of the CHEK2 gene, results from a deletion of a nucleotide at position 1100. The variant causes a frameshift that results on the replace of threonine residue at protein position 367 by methionine and a premature stop codon follows after further 15 amino acids. The premature stop codon is predicted to cause protein truncation/absent and nonsense mediated decay in a gene where loss-of-function is a mechanism of disease. Multiple studies has shown that the variant is statistically significant associated to increased risk of breast and other type of cancer, including ovarian cancer (PMID: 16492927; 23109706; 21956126; 16880452; 28727877; 37055167). In one study, tumours were also detected statistically significantly more frequently in mice with the CHEK2 c.1100delC variant as compared to wild-type controls (PMID: 19805189). This variant is a known founder variant in the overall population and occurs with an allele frequency of < 1 % in gnomAD. The variant is classified as Pathogenic.

BRCAlab, Lund University
Classification: Pathogenic for Familial cancer of breast. Last evaluated: 2022-08-26. Review status: no assertion criteria provided. Collection method: clinical testing. Allele origin: germline. Affected: yes. Not counted in ClinVar's aggregate classification.

Genetic Services Laboratory, University of Chicago
Classification: Pathogenic for Breast cancer, susceptibility to. Last evaluated: 2021-11-22. Review status: no assertion criteria provided. Collection method: clinical testing. Allele origin: germline. Affected: yes. Not counted in ClinVar's aggregate classification.
Comment: DNA sequence analysis of the CHEK2 gene demonstrated a single base pair deletion in exon 11, c.1100del. This pathogenic sequence change results in an amino acid frameshift and creates a premature stop codon 15 amino acids downstream of the sequence change, p.Thr367Metfs*15. This pathogenic sequence change is predicted to result in an abnormal transcript, which may be degraded, or may lead to the production of a truncated CHEK2 protein with potentially abnormal function. In vitro functional studies have demonstrated that CHEK2 c.1100del change results in loss of kinase activity and the inability to phosphorylate Cdc25C, supportive of a pathogenic effect (PMIDs: 11719428, 11053450). This pathogenic sequence change is a well-known founder pathogenic variant with relative frequency in European populations. It is associated with an increased risk for cancer and has been described in multiple patients with CHEK2-related cancers, including breast cancer, lung cancer, thyroid cancer, gastric cancer, renal cancer, lymphoma and in individuals with possible Li-Fraumeni syndrome (PMID: 21956126, 23296741, 26884562, PMID: 26506619).

Institute for Biomarker Research, Medical Diagnostic Laboratories, L.L.C.
Classification: Pathogenic for Hereditary cancer-predisposing syndrome. Last evaluated: 2021-09-27. Review status: no assertion criteria provided. Collection method: clinical testing. Allele origin: germline. Not counted in ClinVar's aggregate classification.

Medical Genetics Laboratory, Umraniye Training and Research Hospital, University of Health Sciences
Classification: Pathogenic for Breast carcinoma. Last evaluated: 2021-08-19. Review status: no assertion criteria provided. Collection method: clinical testing. Allele origin: germline. Affected: yes. Observed: 1 variant allele, 1 heterozygote. Not counted in ClinVar's aggregate classification.
Comment: Invasive Ductal Carcinoma Estrogen Receptor: Positive Progesterone Receptor: Positive HER2 Receptor: Positive

Clinical Genetics Laboratory, University Hospital Schleswig-Holstein
Classification: Pathogenic for Bone osteosarcoma. Last evaluated: 2021-07-26. Review status: no assertion criteria provided. Collection method: clinical testing. Allele origin: germline. Affected: yes. Not counted in ClinVar's aggregate classification.

CZECANCA consortium
Classification: Pathogenic for Carcinoma of pancreas. Last evaluated: 2021-03-04. Review status: no assertion criteria provided. Collection method: case-control. Allele origin: germline. Affected: yes. Observed: 2 variant alleles. Not counted in ClinVar's aggregate classification.

CZECANCA consortium
Classification: Pathogenic for Breast and/or ovarian cancer. Last evaluated: 2019-06-11. Review status: no assertion criteria provided. Collection method: clinical testing. Allele origin: germline. Affected: yes. Observed: 2 variant alleles. Not counted in ClinVar's aggregate classification.

True Health Diagnostics
Classification: Pathogenic for Hereditary cancer-predisposing syndrome. Last evaluated: 2017-11-14. Review status: no assertion criteria provided. Collection method: clinical testing. Allele origin: germline. Not counted in ClinVar's aggregate classification.

Counsyl
Classification: Pathogenic for Familial cancer of breast. Last evaluated: 2016-01-20. Review status: no assertion criteria provided. Collection method: clinical testing. Allele origin: unknown. Not counted in ClinVar's aggregate classification.

Pathway Genomics
Classification: Pathogenic for Breast carcinoma. Last evaluated: 2014-07-24. Review status: no assertion criteria provided. Collection method: clinical testing. Allele origin: germline. Not counted in ClinVar's aggregate classification.